The following is an entry in ClinVar:

NM_000489.6(ATRX):c.2789G>C (p.Ser930Thr)

Gene: ATRX (ATRX chromatin remodeler; minus strand). Cytogenetic location: Xq21.1.
Variant type: single nucleotide variant.
Coding change: c.2789G>C on transcript NM_000489.6 (MANE Select); coding-DNA position 2789, G replaced by C.
Protein change: p.Ser930Thr; replaces serine 930 with threonine.
Molecular consequence: missense variant.
Genome position (GRCh38, 1-based): chrX:77,682,467, C>G on the plus strand (G>C on the coding strand, the complement: ATRX is on the minus strand). VCF-style: chrX-77682467-C-G. GRCh37 (hg19) VCF-style: chrX-76937959-C-G.
Other names: c.2675G>C, p.Ser892Thr (NM_138270.5); short protein forms S930T, S892T.
Identifiers: ClinVar variation 166713 (VCV000166713.42), dbSNP rs727503817, ClinGen allele CA233504.
Genomic context (GRCh38, chrX:77,682,467, plus strand): 5'-TTGAGATGCTTGCTCTTTTCTTTAGTTTCAGCAACTTTTCTAACTTCCAAAGAAGTAAAA[C>G]TCTCCTCTTTCCCAGAAAGCTTATCGACACCATCAGTGGAAGCACTTGCTTGCTGCTTCT-3'
Protein context (NP_000480.3, residues 920-940): GVDKLSGKEE[Ser930Thr]FTSLEVRKVA

ClinVar aggregate classification (germline): Uncertain significance. Review status: criteria provided, multiple submitters, no conflicts (2 of 4 stars). 3 submissions from 3 submitters: Uncertain significance (3). Last evaluated 2024-01-10.

Conditions:
Alpha thalassemia-X-linked intellectual disability syndrome (ATRX). Also called: ALPHA-THALASSEMIA/MENTAL RETARDATION SYNDROME, X-LINKED; ALPHA-THALASSEMIA/IMPAIRED INTELLECTUAL DEVELOPMENT SYNDROME, X-LINKED; X-linked alpha-thalassemia-mental retardation syndrome; ATR, NONDELETION TYPE; ATR-X syndrome; Alpha thalassemia mental retardation syndrome, nondeletion type, X-linked. Identifiers: Orphanet 847, MedGen C1845055, MONDO:0010519, OMIM 301040.

Allele frequency attached by ClinVar (database versions not stated): gnomAD exomes below 0.00001.
gnomAD v4.1: 2 of 1,211,304 alleles (0.00017%); highest among the groups gnomAD compares: Non-Finnish European, 0.00022%; no homozygotes.

Submissions (3):

Labcorp Genetics (formerly Invitae), Labcorp
Classification: Uncertain significance for Alpha thalassemia-X-linked intellectual disability syndrome. Last evaluated: 2024-01-10. Review status: criteria provided, single submitter. Criteria: Invitae Variant Classification Sherloc (09022015). Collection method: clinical testing. Allele origin: germline.
Comment: This sequence change replaces serine, which is neutral and polar, with threonine, which is neutral and polar, at codon 930 of the ATRX protein (p.Ser930Thr). This variant is not present in population databases (gnomAD no frequency). This variant has not been reported in the literature in individuals affected with ATRX-related conditions. ClinVar contains an entry for this variant (Variation ID: 166713). Advanced modeling of protein sequence and biophysical properties (such as structural, functional, and spatial information, amino acid conservation, physicochemical variation, residue mobility, and thermodynamic stability) performed at Invitae indicates that this missense variant is not expected to disrupt ATRX protein function with a negative predictive value of 95%. In summary, the available evidence is currently insufficient to determine the role of this variant in disease. Therefore, it has been classified as a Variant of Uncertain Significance.

CeGaT Center for Human Genetics Tuebingen
Classification: Uncertain significance. Last evaluated: 2022-03-01. Review status: criteria provided, single submitter. Criteria: CeGaT Center For Human Genetics Tuebingen Variant Classification Criteria Version 2. Collection method: clinical testing. Allele origin: germline. Affected: yes. Observed: 1 variant allele.
Comment: ATRX: PM2, PP2

Eurofins Ntd Llc (ga)
Classification: Uncertain significance. Last evaluated: 2014-05-03. Review status: criteria provided, single submitter. Criteria: EGL Classification Definitions 2015. Collection method: clinical testing. Allele origin: germline. Observed: 2 variant alleles, 1 heterozygote, 1 hemizygote.